The following is an entry in ClinVar:

ClinVar aggregate classification (germline): Uncertain significance (1 of 4 stars; one submission).

Conditions:
Hereditary spastic paraplegia. Also called: Familial spastic paraparesis. Identifiers: Orphanet 685, MedGen C0037773, MONDO:0019064. Disease mechanism: loss of function.

Submission:

Labcorp Genetics (formerly Invitae), Labcorp
Classification: Uncertain significance for Hereditary spastic paraplegia. Last evaluated: 2017-11-02. Review status: criteria provided, single submitter. Criteria: Invitae Variant Classification Sherloc (09022015). Collection method: clinical testing. Allele origin: germline.
Comment: This sequence change replaces asparagine with aspartic acid at codon 815 of the USP8 protein (p.Asn815Asp). The asparagine residue is highly conserved and there is a small physicochemical difference between asparagine and aspartic acid. This variant is not present in population databases (ExAC no frequency). This variant has not been reported in the literature in individuals with USP8-related disease. Algorithms developed to predict the effect of missense changes on protein structure and function do not agree on the potential impact of this missense change (SIFT: "Tolerated"; PolyPhen-2: "Probably Damaging"; Align-GVGD: "Class C0"). In summary, the available evidence is currently insufficient to determine the role of this variant in disease. Therefore, it has been classified as a Variant of Uncertain Significance.

NM_005154.5(USP8):c.2443A>G (p.Asn815Asp)

Gene: USP8 (ubiquitin specific peptidase 8; plus strand). Cytogenetic location: 15q21.2.
Variant type: single nucleotide variant.
Coding change: c.2443A>G on transcript NM_005154.5 (MANE Select); coding-DNA position 2443, A replaced by G.
Protein change: p.Asn815Asp; replaces asparagine 815 with aspartic acid.
Molecular consequence: missense variant.
Genome position (GRCh38, 1-based): chr15:50,492,909, A>G. VCF-style: chr15-50492909-A-G. GRCh37 (hg19) VCF-style: chr15-50785106-A-G.
Other names: c.2443A>G, p.Asn815Asp (NM_001128610.3); c.2125A>G, p.Asn709Asp (NM_001283049.2); short protein forms N815D, N709D.
Identifiers: ClinVar variation 528041 (VCV000528041.1), dbSNP rs1555392171, ClinGen allele CA392401091.